The following is an entry in ClinVar:

ClinVar aggregate classification (germline): Uncertain significance (1 of 4 stars; one submission).

Submission:

Mayo Clinic Laboratories, Mayo Clinic
Classification: Uncertain significance. Last evaluated: 2024-07-17. Review status: criteria provided, single submitter. Criteria: ACMG Guidelines, 2015. Collection method: clinical testing. Allele origin: germline. Observed: 1 variant allele.
Comment: PM2

NM_006306.4(SMC1A):c.3171G>C (p.Gln1057His)

Gene: SMC1A (structural maintenance of chromosomes 1A; minus strand). Cytogenetic location: Xp11.22.
Variant type: single nucleotide variant.
Coding change: c.3171G>C on transcript NM_006306.4 (MANE Select); coding-DNA position 3171, G replaced by C.
Protein change: p.Gln1057His; replaces glutamine 1057 with histidine.
Molecular consequence: missense variant.
Genome position (GRCh38, 1-based): chrX:53,382,620, C>G on the plus strand (G>C on the coding strand, the complement: SMC1A is on the minus strand). VCF-style: chrX-53382620-C-G. GRCh37 (hg19) VCF-style: chrX-53409541-C-G.
Other names: p.Gln1057His; c.3105G>C, p.Gln1035His (NM_001281463.1); short protein forms Q1035H, Q1057H.
Identifiers: ClinVar variation 3380747 (VCV003380747.1).